The following is an entry in ClinVar:

ClinVar aggregate classification (germline): Pathogenic. Review status: criteria provided, multiple submitters, no conflicts (2 of 4 stars). 15 submissions from 15 submitters: Pathogenic (12). 3 of the submissions do not count toward it. Last evaluated 2025-11-12.

Conditions:
HPS1-related disorders.
HPS1-related disorder. Also called: HPS1-related condition.
Hermansky-Pudlak syndrome (HPS). Also called: ALBINISM WITH HEMORRHAGIC DIATHESIS AND PIGMENTED RETICULOENDOTHELIAL CELLS. Identifiers: Orphanet 79430, MedGen C0079504, MONDO:0019312.
Hermansky-Pudlak syndrome 1 (HPS1). Also called: DELTA STORAGE POOL DISEASE. Identifiers: Orphanet 231500, Orphanet 79430, MedGen C2931875, MONDO:0008748, OMIM 203300.

Submissions (15):

Labcorp Genetics (formerly Invitae), Labcorp
Classification: Pathogenic. Last evaluated: 2025-11-12. Review status: criteria provided, single submitter. Criteria: Invitae Variant Classification Sherloc (09022015). Collection method: clinical testing. Allele origin: germline.
Comment: This sequence change creates a premature translational stop signal (p.Met325Trpfs*6) in the HPS1 gene. It is expected to result in an absent or disrupted protein product. Loss-of-function variants in HPS1 are known to be pathogenic (PMID: 12442288, 16185271). The frequency data for this variant in the population databases is considered unreliable, as metrics indicate poor data quality at this position in the gnomAD database. This premature translational stop signal has been observed in individuals with Hermansky–Pudlak syndrome (PMID: 19334085, 27593200). It has also been observed to segregate with disease in related individuals. ClinVar contains an entry for this variant (Variation ID: 5280). For these reasons, this variant has been classified as Pathogenic.

Natera, Inc.
Classification: Pathogenic for Hermansky-Pudlak syndrome. Last evaluated: 2025-10-14. Review status: criteria provided, single submitter. Criteria: Natera Variant Classification Schema (03/2026). Collection method: clinical testing. Allele origin: germline.
Comment: The c.972delC variant in HPS1 is a frameshift variant predicted to shift the reading frame beginning at codon 325 and leads to a stop codon 6 codons downstream. This variant is expected to result in nonsense mediated decay, truncation, or a dysfunctional protein product. This variant is rare in the general population with a frequency below the threshold expected for the associated phenotype(s). This variant has been observed in one or more individuals affected with the associated recessive disease, as either homozygous or compound heterozygous with a second variant (PMID: 29345414). Given the available evidence, this variant is classified as Pathogenic.

Dasa
Classification: Pathogenic. Last evaluated: 2024-08-19. Review status: criteria provided, single submitter. Criteria: DASA Assertion Criteria. Collection method: clinical testing. Allele origin: germline.
Comment: NM_000195.5(HPS1):c.972del (p.Met325Trpfs*6) introduces a premature termination codon predicted to result in loss of normal protein function. Loss-of-function is an established mechanism of disease for this gene. This variant has been reported in individuals with related phenotype. This variant has been observed in affected individuals with related phenotype in a genotype context consistent with recessive disease. The variant is present at low frequency in population datasets. Based on the available data, this variant is classified as pathogenic.

Johns Hopkins Genomics, Johns Hopkins University
Classification: Pathogenic for Hermansky-Pudlak syndrome 1. Last evaluated: 2024-08-01. Review status: criteria provided, single submitter. Criteria: ACMG Guidelines, 2015. Collection method: clinical testing. Allele origin: germline.
Comment: PVS, PM2, PM3, PP5

ARUP Laboratories, Molecular Genetics and Genomics, ARUP Laboratories
Classification: Pathogenic for Hermansky-Pudlak syndrome 1. Last evaluated: 2024-07-26. Review status: criteria provided, single submitter. Criteria: ARUP Molecular Germline Variant Investigation Process 2024. Collection method: clinical testing. Allele origin: germline.
Comment: The HPS1 c.972del; p.Met325TrpfsTer6 variant (rs281865082, ClinVar Variation ID: 5280) is reported compound heterozygous in the literature in multiple individuals affected with Hermansky-Pudlak syndrome (Liu 2021, O’Brien 2021). This variant is found in the general population with an overall allele frequency of 0.02% (28/175,586 alleles) in the Genome Aggregation Database (v2.1.1), but is considered a low confidence variant in the database. This variant causes a frameshift by deleting a single nucleotide, so it is predicted to result in a truncated protein or mRNA subject to nonsense-mediated decay. Based on available information, this variant is considered to be pathogenic. References: Liu T et al. Genetic variants and mutational spectrum of Chinese Hermansky-Pudlak syndrome patients. Pigment Cell Melanoma Res. 2021 Jan;34(1):111-121. PMID: 32725903. O'Brien KJ et al. Inflammatory bowel disease in Hermansky-Pudlak syndrome: a retrospective single-centre cohort study. J Intern Med. 2021 Jul;290(1):129-140. PMID: 33423334.

Fulgent Genetics
Classification: Pathogenic for Hermansky-Pudlak syndrome 1. Last evaluated: 2024-03-08. Review status: criteria provided, single submitter. Criteria: ACMG Guidelines, 2015. Collection method: clinical testing. Allele origin: germline.

Baylor Genetics
Classification: Pathogenic for Hermansky-Pudlak syndrome 1. Last evaluated: 2024-02-14. Review status: criteria provided, single submitter. Criteria: ACMG Guidelines, 2015. Collection method: clinical testing. Allele origin: unknown.

Blueprint Genetics
Classification: Pathogenic for HPS1-related disorders. Last evaluated: 2023-11-28. Review status: criteria provided, single submitter. Criteria: ACMG Guidelines, 2015. Collection method: clinical testing. Allele origin: germline. Affected: yes. Observed: 5 variant alleles.

Broad Center for Mendelian Genomics, Broad Institute of MIT and Harvard
Classification: Pathogenic for Hermansky-Pudlak syndrome. Last evaluated: 2021-11-29. Review status: criteria provided, single submitter. Criteria: ACMG Guidelines, 2015. Collection method: curation. Allele origin: germline. Inheritance: Autosomal recessive inheritance.
Comment: The p.Met325fs (c.972del) variant in HPS1 has been reported in at least 4 individuals with Hermansky-Pudlak syndrome (PMID: 27593200, 19334085, 9705234, 9497254), segregated with disease in 2 affected relatives from 2 families (PMID: 19334085, 9705234) and has been identified in 0.09% (15/17454) of European (Finnish) chromosomes by the Genome Aggregation Database (gnomAD; dbSNP ID: rs281865083). Although this variant has been seen in the general population in a heterozygous state, its frequency is not high enough to rule out a pathogenic role. It is of note that this variant occurs in a homopolymer repeat, which could indicate that it exists as an artifact from sequencing. However, disease-causing variants have been reported in homopolymer regions, so this is not enough to rule out a pathogenic role. Of the 4 affected individuals, 1 was compound heterozygote that carried a reported pathogenic variant in trans, which increases the likelihood that the p.Met325fs variant is pathogenic (VariationID: 21091; PMID: 9705234). This variant has also been reported in ClinVar (Variation ID#: 5280) and has been interpreted as pathogenic by Invitae, Nilou-Genome Lab, OMIM, Natera, Inc., and GeneReviews. In vitro functional studies provide some evidence that the p.Met325fs variant may impact protein function (PMID: 9705234). However, these types of assays may not accurately represent biological function. This variant is predicted to cause a frameshift, which alters the protein’s amino acid sequence beginning at position 325 and leads to a premature termination codon 6 amino acids downstream. This alteration is then predicted to lead to a truncated or absent protein. Loss of function of the HPS1 gene is an established disease mechanism in autosomal recessive Hermansky-Pudlak syndrome. In summary, this variant meets criteria to be classified as pathogenic for autosomal recessive Hermansky-Pudlak syndrome. ACMG/AMP Criteria applied: PM3, PP1, PVS1 , PS3_moderate (Richards 2015).

Genome-Nilou Lab
Classification: Pathogenic for Hermansky-Pudlak syndrome 1. Last evaluated: 2021-06-10. Review status: criteria provided, single submitter. Criteria: ACMG Guidelines, 2015. Collection method: clinical testing. Allele origin: germline. Affected: no.

Genetic Services Laboratory, University of Chicago
Classification: Pathogenic. Last evaluated: 2019-07-09. Review status: criteria provided, single submitter. Criteria: ACMG Guidelines, 2015. Collection method: clinical testing. Allele origin: germline. Affected: yes.
Comment: DNA sequence analysis of the HPS1 gene demonstrated a one base pair deletion in exon 11, c.972del. This sequence change results in an amino acid frameshift and creates a premature stop codon 5 amino acids downstream of the sequence change, p.Met325Trpfs*6. This sequence change is predicted to result in an abnormal transcript, which may be degraded, or may lead to the production of a truncated HPS1 protein with potentially abnormal function. This sequence change has been described in the gnomAD database with a population frequency of 0.012% in African subpopulation (dbSNP rs281865082). This sequence change has previously been described in patients with Hermansky-Pudlak syndrome in both homozygous and compound heterozygous states (PMID: 20662851, PMID: 19334085, PMID: 8896559). Functional studies have shown results that suggest a lack of function of the protein (PMID: 21833017). These collective evidences indicate that this sequence change is pathogenic.

Kasturba Medical College, Manipal, Kasturba Medical College, Manipal, Manipal Academy of Higher Education, Manipal, India
Classification: Pathogenic for Hermansky-Pudlak syndrome 1. Review status: criteria provided, single submitter. Criteria: ACMG Guidelines, 2015. Collection method: research. Allele origin: biparental. Inheritance: Autosomal recessive inheritance. Affected: yes. Observed: 1 homozygote.
Comment: (Thuong et al., 2022; VCV000005280.25). The variant is absent in homozygous state in gnomAD (v4.1.0) and our inhouse database. The variant is present in heterozygous state in 82 individuals in gnomAD (v4.1.0) and 8 individuals in our in-house database of 3728 exomes. This variant is predicted to cause a shift in the reading frame of the transcript which will either lead to nonsense-mediated mRNA decay or formation of a truncated product.

PreventionGenetics, part of Exact Sciences
Classification: Pathogenic for HPS1-related condition. Last evaluated: 2024-09-28. Review status: no assertion criteria provided. Collection method: clinical testing. Allele origin: germline. Not counted in ClinVar's aggregate classification.
Comment: The HPS1 c.972delC variant is predicted to result in a frameshift and premature protein termination (p.Met325Trpfs*6). This variant has reported in multiple individuals with Hermansky-Pudlak syndrome (Wei et al. 2016. PubMed ID: 27593200, Table S2, Liu et al. 2020. PubMed ID: 32725903). This variant is reported in 0.086% of alleles in individuals of European (Finnish) descent in gnomAD. Frameshift variants in HPS1 are expected to be pathogenic. This variant is interpreted as pathogenic.

OMIM
Classification: Pathogenic for HERMANSKY-PUDLAK SYNDROME 1. Last evaluated: 1998-03-01. Review status: no assertion criteria provided. Collection method: literature only. Allele origin: germline. Not counted in ClinVar's aggregate classification.

GeneReviews
No classification provided. Condition: Hermansky-Pudlak syndrome 1. Review status: no classification provided. Collection method: literature only. Allele origin: germline. Not counted in ClinVar's aggregate classification.

Literature cited by the submitters: PubMed 12442288 (cited by Labcorp Genetics (formerly Invitae), Labcorp); PubMed 16185271 (cited by Labcorp Genetics (formerly Invitae), Labcorp); PubMed 19334085 (cited by Labcorp Genetics (formerly Invitae), Labcorp and Johns Hopkins Genomics, Johns Hopkins University); PubMed 27593200 (cited by Labcorp Genetics (formerly Invitae), Labcorp and Johns Hopkins Genomics, Johns Hopkins University); PubMed 29345414 (cited by Natera, Inc.); PubMed 35328057 (cited by Johns Hopkins Genomics, Johns Hopkins University); PubMed 9497254 (cited by Johns Hopkins Genomics, Johns Hopkins University and OMIM); PubMed 9705234 (cited by Johns Hopkins Genomics, Johns Hopkins University and Broad Center for Mendelian Genomics, Broad Institute of MIT and Harvard); PubMed 35870188 (cited by Kasturba Medical College, Manipal, Kasturba Medical College, Manipal, Manipal Academy of Higher Education, Manipal, India); NCBI Bookshelf NBK1287 (cited by GeneReviews).

NM_000195.5(HPS1):c.972del (p.Met325fs)

Gene: HPS1 (HPS1 biogenesis of lysosomal organelles complex 3 subunit 1; minus strand). Cytogenetic location: 10q24.2.
Variant type: Deletion.
Coding change: c.972del on transcript NM_000195.5 (MANE Select); coding-DNA position 972, one base deleted (C; older notation c.972delC).
Protein change: p.Met325fs; shifts the reading frame from methionine 325.
Molecular consequence: frameshift variant. On other transcripts: 5 prime UTR variant (3).
Genome position (GRCh38, 1-based): chr10:98,427,230, G deleted on the plus strand (C on the coding strand, the reverse complement: HPS1 is on the minus strand); the first of 8 consecutive G bases (chr10:98,427,230-98,427,237); deleting any one gives the same sequence. VCF-style (leftmost placement, unchanged base first): chr10-98427229-TG-T. GRCh37 (hg19) VCF-style: chr10-100186986-TG-T.
Other names: NM_000195.5(HPS1):c.972del; p.Met325fs; c.972delC (NM_000195.5, NM_000195.4); c.-1del (NM_001311345.2, NM_001322487.2, NM_001322489.2); c.972del, p.Met325fs (NM_001322476.2, NM_001322477.2); c.873del, p.Met292fs (NM_001322478.2, NM_001322479.2); c.711del, p.Met238fs (NM_001322480.2, NM_001322481.2); c.612del, p.Met205fs (NM_001322482.2); and 2 more; short protein forms M202fs, M238fs, M205fs, M292fs, M169fs, M325fs.
Identifiers: ClinVar variation 5280 (VCV000005280.31), dbSNP rs281865082, ClinGen allele CA340387.